The following is an entry in ClinVar:

ClinVar aggregate classification (germline): Uncertain significance (1 of 4 stars; one submission).

gnomAD v4.1: 1 of 1,593,278 alleles (0.000063%); highest among the groups gnomAD compares: Non-Finnish European, 0.000085%; no homozygotes.

Submission:

Labcorp Genetics (formerly Invitae), Labcorp
Classification: Uncertain significance. Last evaluated: 2025-08-11. Review status: criteria provided, single submitter. Criteria: Invitae Variant Classification Sherloc (09022015). Collection method: clinical testing. Allele origin: germline.
Comment: This sequence change replaces leucine, which is neutral and non-polar, with valine, which is neutral and non-polar, at codon 607 of the BCL11B protein (p.Leu607Val). This variant is not present in population databases (gnomAD no frequency). This variant has not been reported in the literature in individuals affected with BCL11B-related conditions. Invitae Evidence Modeling of protein sequence and biophysical properties (such as structural, functional, and spatial information, amino acid conservation, physicochemical variation, residue mobility, and thermodynamic stability) indicates that this missense variant is not expected to disrupt BCL11B protein function with a negative predictive value of 95%. In summary, the available evidence is currently insufficient to determine the role of this variant in disease. Therefore, it has been classified as a Variant of Uncertain Significance.

NM_138576.4(BCL11B):c.1819C>G (p.Leu607Val)

Gene: BCL11B (BCL11 transcription factor B; minus strand). Cytogenetic location: 14q32.2.
Variant type: single nucleotide variant.
Coding change: c.1819C>G on transcript NM_138576.4 (MANE Select); coding-DNA position 1819, C replaced by G.
Protein change: p.Leu607Val; replaces leucine 607 with valine.
Molecular consequence: missense variant.
Genome position (GRCh38, 1-based): chr14:99,175,017, G>C on the plus strand (C>G on the coding strand, the complement: BCL11B is on the minus strand). VCF-style: chr14-99175017-G-C. GRCh37 (hg19) VCF-style: chr14-99641354-G-C.
Other names: c.1816C>G, p.Leu606Val (NM_001282237.2); c.1603C>G, p.Leu535Val (NM_001282238.2); c.1606C>G, p.Leu536Val (NM_022898.3); short protein forms L535V, L536V, L606V, L607V.
Identifiers: ClinVar variation 4806822 (VCV004806822.1).